The following is an entry in ClinVar:

NM_000535.7(PMS2):c.1245G>T (p.Val415=)

Gene: PMS2 (PMS1 homolog 2, mismatch repair system component; minus strand). Cytogenetic location: 7p22.1.
Variant type: single nucleotide variant.
Coding change: c.1245G>T on transcript NM_000535.7 (MANE Select); coding-DNA position 1245, G replaced by T.
Protein change: p.Val415=; no amino-acid change (valine 415 retained).
Molecular consequence: synonymous variant. On other transcripts: non-coding transcript variant (1), intron variant (1).
Genome position (GRCh38, 1-based): chr7:5,987,520, C>A on the plus strand (G>T on the coding strand, the complement: PMS2 is on the minus strand). VCF-style: chr7-5987520-C-A. GRCh37 (hg19) VCF-style: chr7-6027151-C-A.
Other names: c.840G>T, p.Val280= (NM_001406897.1, NM_001406898.1, NM_001406899.1 and 16 more transcripts); c.780G>T, p.Val260= (NM_001406900.1); c.771G>T, p.Val257= (NM_001406901.1, NM_001406902.1); c.927G>T, p.Val309= (NM_001406903.1, NM_001322007.2, NM_001322008.2 and 2 more transcripts); c.732G>T, p.Val244= (NM_001406904.1, NM_001406905.1); c.684G>T, p.Val228= (NM_001406906.1, NM_001406907.1, NM_001322010.2); c.672G>T, p.Val224= (NM_001406909.1, NM_001322013.2); c.474G>T, p.Val158= (NM_001406911.1); and 13 more.
Identifiers: ClinVar variation 3903755 (VCV003903755.1).

ClinVar aggregate classification (germline): Benign (1 of 4 stars; one submission).

Conditions:
Lynch syndrome 4 (LYNCH4). Also called: Colorectal cancer, hereditary nonpolyposis, type 4; Hereditary non-polyposis colorectal cancer, type 4. Identifiers: Orphanet 144, MedGen C1838333, MONDO:0013699, OMIM 614337. Disease mechanism: loss of function.

Submission:

Myriad Genetics, Inc.
Classification: Benign for Lynch syndrome 4. Last evaluated: 2025-01-30. Review status: criteria provided, single submitter. Criteria: Myriad Autosomal Dominant, Autosomal Recessive and X-Linked Classification Criteria (2023). Collection method: clinical testing. Allele origin: unknown.
Comment: This variant is considered benign. This variant is a silent/synonymous amino acid change and it is not expected to impact splicing.